The following is an entry in ClinVar:

NM_001379286.1(ZNF423):c.2851A>G (p.Asn951Asp)

Gene: ZNF423 (zinc finger protein 423; minus strand). Cytogenetic location: 16q12.1.
Variant type: single nucleotide variant.
Coding change: c.2851A>G on transcript NM_001379286.1 (MANE Select); coding-DNA position 2851, A replaced by G.
Protein change: p.Asn951Asp; replaces asparagine 951 with aspartic acid.
Molecular consequence: missense variant.
Genome position (GRCh38, 1-based): chr16:49,636,325, T>C on the plus strand (A>G on the coding strand, the complement: ZNF423 is on the minus strand). VCF-style: chr16-49636325-T-C. GRCh37 (hg19) VCF-style: chr16-49670236-T-C.
Other names: c.2647A>G, p.Asn883Asp (NM_001271620.2); c.2476A>G, p.Asn826Asp (NM_001330533.2); c.2827A>G, p.Asn943Asp (NM_015069.5); short protein forms N826D, N883D, N951D, N943D.
Identifiers: ClinVar variation 1486926 (VCV001486926.6), dbSNP rs2151882099, ClinGen allele CA395841237.
Genomic context (GRCh38, chr16:49,636,325, plus strand): 5'-TGGGACACATGTAGTGCTTGGCAGGGCCCCGGTGCGTCTGCAGGTGCTCCCGTAGCCCGT[T>C]CTCCGAGAAGAAAGTCCGTGAACAAACGTTGCACTTGTGACTGCCCTTGATAAACTCAGC-3'
Protein context (NP_001366215.1, residues 941-961): NVCSRTFFSE[Asn951Asp]GLREHLQTHR

ClinVar aggregate classification (germline): Uncertain significance (1 of 4 stars; one submission).

Conditions:
Nephronophthisis 14 (NPHP14). Identifiers: Orphanet 2318, MedGen C3539071, MONDO:0013916, OMIM 614844.

Submission:

Labcorp Genetics (formerly Invitae), Labcorp
Classification: Uncertain significance for Nephronophthisis 14. Last evaluated: 2023-07-10. Review status: criteria provided, single submitter. Criteria: Invitae Variant Classification Sherloc (09022015). Collection method: clinical testing. Allele origin: germline.
Comment: In summary, the available evidence is currently insufficient to determine the role of this variant in disease. Therefore, it has been classified as a Variant of Uncertain Significance. Advanced modeling of protein sequence and biophysical properties (such as structural, functional, and spatial information, amino acid conservation, physicochemical variation, residue mobility, and thermodynamic stability) performed at Invitae indicates that this missense variant is not expected to disrupt ZNF423 protein function. ClinVar contains an entry for this variant (Variation ID: 1486926). This variant has not been reported in the literature in individuals affected with ZNF423-related conditions. This variant is not present in population databases (gnomAD no frequency). This sequence change replaces asparagine, which is neutral and polar, with aspartic acid, which is acidic and polar, at codon 943 of the ZNF423 protein (p.Asn943Asp).